The following is an entry in ClinVar:

ClinVar aggregate classification (germline): Conflicting classifications of pathogenicity. Review status: criteria provided, conflicting classifications (1 of 4 stars). 5 submissions from 4 submitters: Uncertain significance (4); Likely benign (1). Last evaluated 2026-06-02.

Conditions:
Leber congenital amaurosis 15 (LCA15). Identifiers: Orphanet 65, MedGen C3151206, MONDO:0013457, OMIM 613843.
TULP1-related disorder. Also called: TULP1-related condition; TULP1-related disorders.
Retinitis pigmentosa (RP). Identifiers: Orphanet 791, MedGen C0035334, MeSH D012174, MONDO:0019200, OMIM 268000. Inheritance: Autosomal dominant, autosomal recessive and X linked inheritance.

Allele frequency attached by ClinVar (database versions not stated): ExAC 0.00001; gnomAD exomes 0.00001 and 0.00011; TOPMed 0.00003; gnomAD 0.00004.
gnomAD v4.1: 155 of 1,613,850 alleles (0.0096%); highest among the groups gnomAD compares: Non-Finnish European, 0.013%; no homozygotes.

Submissions (5):

PreventionGenetics, part of Exact Sciences
Classification: Likely benign for TULP1-related condition. Last evaluated: 2026-06-02. Review status: criteria provided, single submitter. Criteria: ACMG Guidelines, 2015. Collection method: clinical testing. Allele origin: germline.
Comment: This variant is classified as likely benign based on ACMG/AMP sequence variant interpretation guidelines (Richards et al. 2015 PMID: 25741868, with internal and published modifications).

Blueprint Genetics
Classification: Uncertain significance. Last evaluated: 2024-08-15. Review status: criteria provided, single submitter. Criteria: ACMG Guidelines, 2015. Collection method: clinical testing. Allele origin: germline.

Labcorp Genetics (formerly Invitae), Labcorp
Classification: Uncertain significance. Last evaluated: 2022-05-19. Review status: criteria provided, single submitter. Criteria: Invitae Variant Classification Sherloc (09022015). Collection method: clinical testing. Allele origin: germline.
Comment: This sequence change falls in intron 14 of the TULP1 gene. It does not directly change the encoded amino acid sequence of the TULP1 protein. It affects a nucleotide within the consensus splice site. This variant is present in population databases (rs758668547, gnomAD 0.003%). This variant has not been reported in the literature in individuals affected with TULP1-related conditions. ClinVar contains an entry for this variant (Variation ID: 906795). Variants that disrupt the consensus splice site are a relatively common cause of aberrant splicing (PMID: 17576681, 9536098). Algorithms developed to predict the effect of sequence changes on RNA splicing suggest that this variant is not likely to affect RNA splicing. In summary, the available evidence is currently insufficient to determine the role of this variant in disease. Therefore, it has been classified as a Variant of Uncertain Significance.

Illumina Laboratory Services, Illumina
Classification: Uncertain significance for Leber congenital amaurosis 15. Last evaluated: 2017-04-27. Review status: criteria provided, single submitter. Criteria: ICSL Variant Classification Criteria 13 December 2019. Collection method: clinical testing. Allele origin: germline.

Illumina Laboratory Services, Illumina
Classification: Uncertain significance for Retinitis pigmentosa. Last evaluated: 2017-04-27. Review status: criteria provided, single submitter. Criteria: ICSL Variant Classification Criteria 13 December 2019. Collection method: clinical testing. Allele origin: germline.

Literature cited by the submitters: PubMed 17576681 (cited by Labcorp Genetics (formerly Invitae), Labcorp); PubMed 9536098 (cited by Labcorp Genetics (formerly Invitae), Labcorp).

NM_003322.6(TULP1):c.1495+3G>A

Gene: TULP1 (TUB like protein 1; minus strand). Cytogenetic location: 6p21.31.
Variant type: single nucleotide variant.
Coding change: c.1495+3G>A on transcript NM_003322.6 (MANE Select); 3 bases into the intron after coding-DNA position 1495, G replaced by A.
Molecular consequence: intron variant.
Genome position (GRCh38, 1-based): chr6:35,499,978, C>T on the plus strand (G>A on the coding strand, the complement: TULP1 is on the minus strand). VCF-style: chr6-35499978-C-T. GRCh37 (hg19) VCF-style: chr6-35467755-C-T.
Other names: c.1495+3G>A (NM_003322.5); c.1336+3G>A (NM_001289395.2).
Identifiers: ClinVar variation 906795 (VCV000906795.7), dbSNP rs758668547, ClinGen allele CA3772544.